The following is an entry in ClinVar:

ClinVar aggregate classification (germline): Uncertain significance. Review status: criteria provided, multiple submitters, no conflicts (2 of 4 stars). 2 submissions from 2 submitters: Uncertain significance (2). Last evaluated 2024-08-17.

Conditions:
POLD1-related polyposis and colorectal cancer syndrome (CRCS10). Also called: Colorectal cancer 10; COLORECTAL CANCER, SUSCEPTIBILITY TO, ON CHROMOSOME 19q; Colorectal cancer, susceptibility to, 10. Identifiers: Orphanet 220460, MedGen C2675481, MONDO:0012953, OMIM 612591.
Hereditary cancer-predisposing syndrome. Also called: Neoplastic Syndromes, Hereditary; Tumor predisposition; Hereditary Cancer Syndrome; Hereditary neoplastic syndrome. Identifiers: Orphanet 140162, MedGen C0027672, MeSH D009386, MONDO:0015356.

Allele frequency attached by ClinVar (database versions not stated): gnomAD 0.00001.
gnomAD v4.1: 1 of 1,583,524 alleles (0.000063%); highest among the groups gnomAD compares: African/African-American, 0.0013%; no homozygotes.

Submissions (2):

Labcorp Genetics (formerly Invitae), Labcorp
Classification: Uncertain significance for POLD1-related polyposis and colorectal cancer syndrome. Last evaluated: 2024-08-17. Review status: criteria provided, single submitter. Criteria: Invitae Variant Classification Sherloc (09022015). Collection method: clinical testing. Allele origin: germline.
Comment: This sequence change replaces threonine, which is neutral and polar, with isoleucine, which is neutral and non-polar, at codon 495 of the POLD1 protein (p.Thr495Ile). This variant is not present in population databases (gnomAD no frequency). This variant has not been reported in the literature in individuals affected with POLD1-related conditions. ClinVar contains an entry for this variant (Variation ID: 1473183). Invitae Evidence Modeling of protein sequence and biophysical properties (such as structural, functional, and spatial information, amino acid conservation, physicochemical variation, residue mobility, and thermodynamic stability) indicates that this missense variant is expected to disrupt POLD1 protein function with a positive predictive value of 80%. In summary, the available evidence is currently insufficient to determine the role of this variant in disease. Therefore, it has been classified as a Variant of Uncertain Significance.

Ambry Genetics
Classification: Uncertain significance for Hereditary cancer-predisposing syndrome. Last evaluated: 2023-07-15. Review status: criteria provided, single submitter. Criteria: Ambry Variant Classification Scheme 2023. Collection method: clinical testing. Allele origin: germline.
Comment: The p.T495I variant (also known as c.1484C>T), located in coding exon 11 of the POLD1 gene, results from a C to T substitution at nucleotide position 1484. The threonine at codon 495 is replaced by isoleucine, an amino acid with similar properties. This amino acid position is conserved. In addition, this alteration is predicted to be tolerated by in silico analysis. Since supporting evidence is limited at this time, the clinical significance of this alteration remains unclear.

NM_002691.4(POLD1):c.1484C>T (p.Thr495Ile)

Gene: POLD1 (DNA polymerase delta 1, catalytic subunit; plus strand). Cytogenetic location: 19q13.33.
Variant type: single nucleotide variant.
Coding change: c.1484C>T on transcript NM_002691.4 (MANE Select); coding-DNA position 1484, C replaced by T.
Protein change: p.Thr495Ile; replaces threonine 495 with isoleucine.
Molecular consequence: missense variant. On other transcripts: non-coding transcript variant (1).
Genome position (GRCh38, 1-based): chr19:50,406,507, C>T. VCF-style: chr19-50406507-C-T. GRCh37 (hg19) VCF-style: chr19-50909764-C-T.
Other names: c.1484C>T, p.Thr495Ile (NM_001256849.1, NM_001308632.1); c.1484C>T (NM_002691.2); short protein forms T495I.
Identifiers: ClinVar variation 1473183 (VCV001473183.9), dbSNP rs2038890600, ClinGen allele CA406980312.